The following is an entry in ClinVar:

NM_003640.5(ELP1):c.1499C>T (p.Pro500Leu)

Gene: ELP1 (elongator acetyltransferase complex subunit 1; minus strand). Cytogenetic location: 9q31.3.
Variant type: single nucleotide variant.
Coding change: c.1499C>T on transcript NM_003640.5 (MANE Select); coding-DNA position 1499, C replaced by T.
Protein change: p.Pro500Leu; replaces proline 500 with leucine.
Molecular consequence: missense variant.
Genome position (GRCh38, 1-based): chr9:108,906,447, G>A on the plus strand (C>T on the coding strand, the complement: ELP1 is on the minus strand). VCF-style: chr9-108906447-G-A. GRCh37 (hg19) VCF-style: chr9-111668727-G-A.
Other names: c.1157C>T, p.Pro386Leu (NM_001318360.2); c.452C>T, p.Pro151Leu (NM_001330749.2); c.1499C>T (LRG_251t1); short protein forms P500L, P386L, P151L.
Identifiers: ClinVar variation 526198 (VCV000526198.8), dbSNP rs779307491, ClinGen allele CA5174990.

ClinVar aggregate classification (germline): Uncertain significance. Review status: criteria provided, multiple submitters, no conflicts (2 of 4 stars). 3 submissions from 3 submitters: Uncertain significance (2). 1 of the submissions does not count toward it. Last evaluated 2026-02-11.

Conditions:
Medulloblastoma (MDB). Also called: Medulloblastoma, somatic; MEDULLOBLASTOMA PREDISPOSITION SYNDROME. Identifiers: Orphanet 616, MedGen C0025149, MeSH D008527, MONDO:0007959, OMIM 155255, HP:0002885.
Familial dysautonomia. Also called: FD; HSAN III. Identifiers: Orphanet 1764, MedGen C0013364, MONDO:0009131, OMIM 223900. Disease mechanism: loss of function.

Allele frequency attached by ClinVar (database versions not stated): gnomAD 0.00001; TOPMed 0.00001.
gnomAD v4.1: 21 of 1,613,760 alleles (0.0013%); highest among the groups gnomAD compares: Non-Finnish European, 0.0016%; no homozygotes.

Submissions (3):

St. Jude Molecular Pathology, St. Jude Children's Research Hospital
Classification: Uncertain significance for Medulloblastoma. Last evaluated: 2026-02-11. Review status: criteria provided, single submitter. Criteria: St. Jude Assertion Criteria 2020. Collection method: clinical testing. Allele origin: germline.
Comment: The ELP1 c.1499C>T p.(Pro500Leu) missense change has a maximum subpopulation frequency of 0.004% in gnomAD v2.1.1. The in silico tool REVEL predicts a benign effect on protein function, but to our knowledge this prediction has not been confirmed by functional studies. To our knowledge, this variant has not been reported in individuals with medulloblastoma or familial dysautonomia. In summary, the evidence currently available is insufficient to determine the clinical significance of this variant. It has therefore been classified as of uncertain significance.

Labcorp Genetics (formerly Invitae), Labcorp
Classification: Uncertain significance. Last evaluated: 2021-09-01. Review status: criteria provided, single submitter. Criteria: Invitae Variant Classification Sherloc (09022015). Collection method: clinical testing. Allele origin: germline.
Comment: This sequence change replaces proline with leucine at codon 500 of the ELP1 protein (p.Pro500Leu). The proline residue is moderately conserved and there is a moderate physicochemical difference between proline and leucine. This variant is present in population databases (rs779307491, ExAC 0.006%). This variant has not been reported in the literature in individuals affected with ELP1-related conditions. Algorithms developed to predict the effect of missense changes on protein structure and function (SIFT, PolyPhen-2, Align-GVGD) all suggest that this variant is likely to be tolerated. In summary, the available evidence is currently insufficient to determine the role of this variant in disease. Therefore, it has been classified as a Variant of Uncertain Significance.

Natera, Inc.
Classification: Uncertain significance for Familial dysautonomia. Last evaluated: 2020-09-16. Review status: no assertion criteria provided. Collection method: clinical testing. Allele origin: germline. Not counted in ClinVar's aggregate classification.